The following is an entry in ClinVar:

ClinVar aggregate classification (germline): Uncertain significance (1 of 4 stars; one submission).

Conditions:
Familial hypokalemia-hypomagnesemia (GTLMNS). Also called: POTASSIUM AND MAGNESIUM DEPLETION; HYPOMAGNESEMIA-HYPOKALEMIA, PRIMARY RENOTUBULAR, WITH HYPOCALCIURIA; gitelman syndrome. Identifiers: Orphanet 358, MedGen C0268450, MONDO:0009904, OMIM 263800.

gnomAD v4.1: 14 of 1,613,536 alleles (0.00087%); highest among the groups gnomAD compares: African/African-American, 0.0013%; no homozygotes.

Submission:

Juno Genomics, Hangzhou Juno Genomics, Inc
Classification: Uncertain significance for Familial hypokalemia-hypomagnesemia. Review status: criteria provided, single submitter. Criteria: ACMG Guidelines, 2015. Collection method: clinical testing. Allele origin: germline.
Comment: Absent from controls (or at extremely low frequency if recessive) in Genome Aggregation Database.;Multiple lines of computational evidence support a deleterious effect on the gene or gene product.

NM_001126108.2(SLC12A3):c.782G>A (p.Arg261His)

Gene: SLC12A3 (solute carrier family 12 member 3; plus strand). Cytogenetic location: 16q13.
Variant type: single nucleotide variant.
Coding change: c.782G>A on transcript NM_001126108.2 (MANE Select); coding-DNA position 782, G replaced by A.
Protein change: p.Arg261His; replaces arginine 261 with histidine.
Molecular consequence: missense variant.
Genome position (GRCh38, 1-based): chr16:56,870,666, G>A. VCF-style: chr16-56870666-G-A. GRCh37 (hg19) VCF-style: chr16-56904578-G-A.
Other names: c.782G>A, p.Arg261His (NM_000339.3); c.779G>A, p.Arg260His (NM_001126107.2, NM_001410896.1); short protein forms R260H, R261H.
Identifiers: ClinVar variation 5005603 (VCV005005603.2).